The following is an entry in ClinVar:

ClinVar aggregate classification (germline): Uncertain significance (1 of 4 stars; one submission).

Conditions:
Spastic paraplegia. Identifiers: MedGen C0037772, HP:0001258.

Allele frequency attached by ClinVar (database versions not stated): ExAC 0.00001.

Submission:

Labcorp Genetics (formerly Invitae), Labcorp
Classification: Uncertain significance for Spastic paraplegia. Last evaluated: 2022-10-17. Review status: criteria provided, single submitter. Criteria: Invitae Variant Classification Sherloc (09022015). Collection method: clinical testing. Allele origin: germline.
Comment: This sequence change replaces isoleucine, which is neutral and non-polar, with valine, which is neutral and non-polar, at codon 409 of the AP4E1 protein (p.Ile409Val). This variant is not present in population databases (gnomAD no frequency). This variant has not been reported in the literature in individuals affected with AP4E1-related conditions. Algorithms developed to predict the effect of missense changes on protein structure and function are either unavailable or do not agree on the potential impact of this missense change (SIFT: "Deleterious"; PolyPhen-2: "Probably Damaging"; Align-GVGD: "Class C0"). In summary, the available evidence is currently insufficient to determine the role of this variant in disease. Therefore, it has been classified as a Variant of Uncertain Significance.

NM_007347.5(AP4E1):c.1225A>G (p.Ile409Val)

Gene: AP4E1 (adaptor related protein complex 4 subunit epsilon 1; plus strand). Cytogenetic location: 15q21.2.
Variant type: single nucleotide variant.
Coding change: c.1225A>G on transcript NM_007347.5 (MANE Select); coding-DNA position 1225, A replaced by G.
Protein change: p.Ile409Val; replaces isoleucine 409 with valine.
Molecular consequence: missense variant.
Genome position (GRCh38, 1-based): chr15:50,948,068, A>G. VCF-style: chr15-50948068-A-G. GRCh37 (hg19) VCF-style: chr15-51240265-A-G.
Other names: c.1000A>G, p.Ile334Val (NM_001252127.2); short protein forms I409V, I334V.
Identifiers: ClinVar variation 1909637 (VCV001909637.5), dbSNP rs778177031, ClinGen allele CA7559013.
Genomic context (GRCh38, chr15:50,948,068, plus strand): 5'-TTCTTTAAATAGACTCTGGAACTTCTTTACAGAATTACTAATGCACAGAATATAACAGTT[A>G]TTGTCCAGAAAATGCTTGAATATTTACATCAGAGCAAAGAAGAGTATGTCATCGTCAATT-3'
Protein context (NP_031373.2, residues 399-419): RITNAQNITV[Ile409Val]VQKMLEYLHQ